The following is an entry in ClinVar:

NM_003611.3(OFD1):c.3027C>G (p.Asp1009Glu)

Gene: OFD1 (OFD1 centriole and centriolar satellite protein; plus strand). Cytogenetic location: Xp22.2.
Variant type: single nucleotide variant.
Coding change: c.3027C>G on transcript NM_003611.3 (MANE Select); coding-DNA position 3027, C replaced by G.
Protein change: p.Asp1009Glu; replaces aspartic acid 1009 with glutamic acid.
Molecular consequence: missense variant.
Genome position (GRCh38, 1-based): chrX:13,769,096, C>G. VCF-style: chrX-13769096-C-G. GRCh37 (hg19) VCF-style: chrX-13787215-C-G.
Other names: c.2907C>G, p.Asp969Glu (NM_001330209.2); c.2607C>G, p.Asp869Glu (NM_001330210.2); short protein forms D1009E, D869E, D969E.
Identifiers: ClinVar variation 1630578 (VCV001630578.11), dbSNP rs758646234, ClinGen allele CA10352147.

ClinVar aggregate classification (germline): Conflicting classifications of pathogenicity. Review status: criteria provided, conflicting classifications (1 of 4 stars). 3 submissions from 3 submitters: Uncertain significance (2); Benign (1). Last evaluated 2024-09-21.

Conditions:
Simpson-Golabi-Behmel syndrome type 2. Identifiers: Orphanet 79022, MedGen C1846175, MONDO:0010265, OMIM 300209.
Orofaciodigital syndrome I (OFD1). Also called: OFDS I; Papillon-Leage and Psaume Syndrome; Oral-Facial-Digital Syndrome Type I. Identifiers: Orphanet 2750, MedGen C1510460, MONDO:0010702, OMIM 311200.
Joubert syndrome 10 (JBTS10). Identifiers: Orphanet 2754, MedGen C2749019, MONDO:0010431, OMIM 300804.
Retinitis pigmentosa 23 (RP23). Identifiers: Orphanet 791, MedGen C1419610, MONDO:0010320, OMIM 300424.
Primary ciliary dyskinesia. Also called: Ciliary dyskinesia. Identifiers: Orphanet 244, MedGen C0008780, MONDO:0016575, HP:0012265.
Joubert syndrome. Also called: JOUBERT-BOLTSHAUSER SYNDROME; Familial aplasia of the vermis. Identifiers: Orphanet 475, MedGen C5979921, MONDO:0018772.

Allele frequency attached by ClinVar (database versions not stated): 1000 Genomes Project 30x 0.00021; 1000 Genomes Project 0.00026.
gnomAD v4.1: 19 of 1,193,244 alleles (0.0016%); highest among the groups gnomAD compares: East Asian, 0.012%; no homozygotes.

Submissions (3):

Labcorp Genetics (formerly Invitae), Labcorp
Classification: Benign for Orofaciodigital syndrome I; Joubert syndrome. Last evaluated: 2024-09-21. Review status: criteria provided, single submitter. Criteria: Invitae Variant Classification Sherloc (09022015). Collection method: clinical testing. Allele origin: germline.

Fulgent Genetics
Classification: Uncertain significance for Simpson-Golabi-Behmel syndrome type 2; Retinitis pigmentosa 23; Joubert syndrome 10; Orofaciodigital syndrome I. Last evaluated: 2024-02-13. Review status: criteria provided, single submitter. Criteria: ACMG Guidelines, 2015. Collection method: clinical testing. Allele origin: germline.

Ambry Genetics
Classification: Uncertain significance for Primary ciliary dyskinesia. Last evaluated: 2020-03-17. Review status: criteria provided, single submitter. Criteria: Ambry Variant Classification Scheme 2023. Collection method: clinical testing. Allele origin: germline.
Comment: The p.D1009E variant (also known as c.3027C>G), located in coding exon 23 of the OFD1 gene, results from a C to G substitution at nucleotide position 3027. The aspartic acid at codon 1009 is replaced by glutamic acid, an amino acid with highly similar properties. This amino acid position is highly conserved in available vertebrate species. In addition, the in silico prediction for this alteration is inconclusive. Since supporting evidence is limited at this time, the clinical significance of this alteration remains unclear.